The following is an entry in ClinVar:

NM_003737.4(DCHS1):c.7959T>A (p.Asp2653Glu)

Gene: DCHS1 (dachsous cadherin-related 1; minus strand). Cytogenetic location: 11p15.4.
Variant type: single nucleotide variant.
Coding change: c.7959T>A on transcript NM_003737.4 (MANE Select); coding-DNA position 7959, T replaced by A.
Protein change: p.Asp2653Glu; replaces aspartic acid 2653 with glutamic acid.
Molecular consequence: missense variant.
Genome position (GRCh38, 1-based): chr11:6,623,717, A>T on the plus strand (T>A on the coding strand, the complement: DCHS1 is on the minus strand). VCF-style: chr11-6623717-A-T. GRCh37 (hg19) VCF-style: chr11-6644948-A-T.
Other names: short protein forms D2653E.
Identifiers: ClinVar variation 2871693 (VCV002871693.3), dbSNP rs1855744517, ClinGen allele CA379482017.

ClinVar aggregate classification (germline): Uncertain significance (1 of 4 stars; one submission).

Allele frequency attached by ClinVar (database versions not stated): gnomAD exomes below 0.00001; gnomAD 0.00001; TOPMed 0.00001.
gnomAD v4.1: 4 of 1,613,666 alleles (0.00025%); highest among the groups gnomAD compares: Non-Finnish European, 0.00034%; no homozygotes.

Submission:

Labcorp Genetics (formerly Invitae), Labcorp
Classification: Uncertain significance. Last evaluated: 2023-05-19. Review status: criteria provided, single submitter. Criteria: Invitae Variant Classification Sherloc (09022015). Collection method: clinical testing. Allele origin: germline.
Comment: This sequence change replaces aspartic acid, which is acidic and polar, with glutamic acid, which is acidic and polar, at codon 2653 of the DCHS1 protein (p.Asp2653Glu). In summary, the available evidence is currently insufficient to determine the role of this variant in disease. Therefore, it has been classified as a Variant of Uncertain Significance. Advanced modeling of protein sequence and biophysical properties (such as structural, functional, and spatial information, amino acid conservation, physicochemical variation, residue mobility, and thermodynamic stability) performed at Invitae indicates that this missense variant is not expected to disrupt DCHS1 protein function. This variant has not been reported in the literature in individuals affected with DCHS1-related conditions. This variant is not present in population databases (gnomAD no frequency).